The following is an entry in ClinVar:

NM_015909.4(NBAS):c.4472C>A (p.Thr1491Asn)

Gene: NBAS (NBAS subunit of NRZ tethering complex; minus strand). Cytogenetic location: 2p24.3.
Variant type: single nucleotide variant.
Coding change: c.4472C>A on transcript NM_015909.4 (MANE Select); coding-DNA position 4472, C replaced by A.
Protein change: p.Thr1491Asn; replaces threonine 1491 with asparagine.
Molecular consequence: missense variant. On other transcripts: non-coding transcript variant (1).
Genome position (GRCh38, 1-based): chr2:15,327,860, G>T on the plus strand (C>A on the coding strand, the complement: NBAS is on the minus strand). VCF-style: chr2-15327860-G-T. GRCh37 (hg19) VCF-style: chr2-15467984-G-T.
Other names: c.4472C>A (NM_015909.2); short protein forms T1491N.
Identifiers: ClinVar variation 1509959 (VCV001509959.4), dbSNP rs1169318144, ClinGen allele CA345895643.
Genomic context (GRCh38, chr2:15,327,860, plus strand): 5'-CCAGTTCTCAGCAATACTTCTGCAAAGCTTTCCACTGGAACATGCTGATAGGTGTCATAG[G>T]TCCCTTCAGACTACACAAAAGAAGCAGTTTCACTATCTAGTAGGGTGCCTTTTGTCCTAC-3'
Protein context (NP_056993.2, residues 1481-1501): SNPFVAESEG[Thr1491Asn]YDTYQHVPVE

ClinVar aggregate classification (germline): Uncertain significance. Review status: criteria provided, multiple submitters, no conflicts (2 of 4 stars). 2 submissions from 2 submitters: Uncertain significance (2). Last evaluated 2025-05-26.

Conditions:
Inborn genetic diseases. Identifiers: MedGen C0950123, MeSH D030342.

Allele frequency attached by ClinVar (database versions not stated): gnomAD 0.00002; gnomAD exomes below 0.00001; TOPMed 0.00003.
gnomAD v4.1: 4 of 1,613,192 alleles (0.00025%); highest among the groups gnomAD compares: Admixed American, 0.0067%; no homozygotes.

Submissions (2):

Ambry Genetics
Classification: Uncertain significance for Inborn genetic diseases. Last evaluated: 2025-05-26. Review status: criteria provided, single submitter. Criteria: Ambry Variant Classification Scheme 2023. Collection method: clinical testing. Allele origin: germline.

Labcorp Genetics (formerly Invitae), Labcorp
Classification: Uncertain significance. Last evaluated: 2021-08-17. Review status: criteria provided, single submitter. Criteria: Invitae Variant Classification Sherloc (09022015). Collection method: clinical testing. Allele origin: germline.
Comment: This sequence change replaces threonine with asparagine at codon 1491 of the NBAS protein (p.Thr1491Asn). The threonine residue is highly conserved and there is a small physicochemical difference between threonine and asparagine. This variant is not present in population databases (ExAC no frequency). This variant has not been reported in the literature in individuals affected with NBAS-related conditions. Algorithms developed to predict the effect of missense changes on protein structure and function are either unavailable or do not agree on the potential impact of this missense change (SIFT: "Deleterious"; PolyPhen-2: "Benign"; Align-GVGD: "Class C0"). In summary, the available evidence is currently insufficient to determine the role of this variant in disease. Therefore, it has been classified as a Variant of Uncertain Significance.